The following is an entry in ClinVar:

ClinVar aggregate classification (germline): Uncertain significance (1 of 4 stars; one submission).

Conditions:
Severe combined immunodeficiency due to DNA-PKcs deficiency. Also called: Immunodeficiency 26 with or without neurologic abnormalities; IMMUNODEFICIENCY 26 WITH NEUROLOGIC ABNORMALITIES. Identifiers: Orphanet 317425, MedGen C4014833, MONDO:0014423, OMIM 615966.

Allele frequency attached by ClinVar (database versions not stated): ExAC 0.00001; gnomAD exomes 0.00001; TOPMed 0.00001; gnomAD 0.00003.

Submission:

Labcorp Genetics (formerly Invitae), Labcorp
Classification: Uncertain significance for Severe combined immunodeficiency due to DNA-PKcs deficiency. Last evaluated: 2025-10-01. Review status: criteria provided, single submitter. Criteria: Invitae Variant Classification Sherloc (09022015). Collection method: clinical testing. Allele origin: germline.
Comment: This sequence change replaces glutamine, which is neutral and polar, with histidine, which is basic and polar, at codon 3822 of the PRKDC protein (p.Gln3822His). This variant is present in population databases (rs758559627, gnomAD 0.002%). This variant has not been reported in the literature in individuals affected with PRKDC-related conditions. ClinVar contains an entry for this variant (Variation ID: 998948). Invitae Evidence Modeling of protein sequence and biophysical properties (such as structural, functional, and spatial information, amino acid conservation, physicochemical variation, residue mobility, and thermodynamic stability) indicates that this missense variant is not expected to disrupt PRKDC protein function with a negative predictive value of 80%. In summary, the available evidence is currently insufficient to determine the role of this variant in disease. Therefore, it has been classified as a Variant of Uncertain Significance.

NM_006904.7(PRKDC):c.11466A>C (p.Gln3822His)

Gene: PRKDC (protein kinase, DNA-activated, catalytic subunit; minus strand). Cytogenetic location: 8q11.21.
Variant type: single nucleotide variant.
Coding change: c.11466A>C on transcript NM_006904.7 (MANE Select); coding-DNA position 11466, A replaced by C.
Protein change: p.Gln3822His; replaces glutamine 3822 with histidine.
Molecular consequence: missense variant. On other transcripts: intron variant (1).
Genome position (GRCh38, 1-based): chr8:47,782,185, T>G on the plus strand (A>C on the coding strand, the complement: PRKDC is on the minus strand). VCF-style: chr8-47782185-T-G. GRCh37 (hg19) VCF-style: chr8-48694746-T-G.
Other names: c.11396+193A>C (NM_001081640.2); short protein forms Q3822H.
Identifiers: ClinVar variation 998948 (VCV000998948.4), dbSNP rs758559627, ClinGen allele CA4739083.